The following is an entry in ClinVar:

NM_001370259.2(MEN1):c.92A>G (p.Glu31Gly)

Gene: MEN1 (menin 1; minus strand). Cytogenetic location: 11q13.1.
Variant type: single nucleotide variant.
Coding change: c.92A>G on transcript NM_001370259.2 (MANE Select); coding-DNA position 92, A replaced by G.
Protein change: p.Glu31Gly; replaces glutamic acid 31 with glycine.
Molecular consequence: missense variant.
Genome position (GRCh38, 1-based): chr11:64,810,018, T>C on the plus strand (A>G on the coding strand, the complement: MEN1 is on the minus strand). VCF-style: chr11-64810018-T-C. GRCh37 (hg19) VCF-style: chr11-64577490-T-C.
Other names: c.92A>G, p.Glu31Gly (NM_000244.4, NM_001370251.2, NM_001370260.2 and 9 more transcripts); short protein forms E31G.
Identifiers: ClinVar variation 527245 (VCV000527245.9), dbSNP rs1060499977, ClinGen allele CA381188001.

ClinVar aggregate classification (germline): Uncertain significance. Review status: criteria provided, multiple submitters, no conflicts (2 of 4 stars). 2 submissions from 2 submitters: Uncertain significance (2). Last evaluated 2026-04-30.

Conditions:
Hereditary cancer-predisposing syndrome. Also called: Tumor predisposition; Hereditary neoplastic syndrome; Neoplastic Syndromes, Hereditary; Hereditary Cancer Syndrome. Identifiers: Orphanet 140162, MedGen C0027672, MeSH D009386, MONDO:0015356.
Multiple endocrine neoplasia, type 1 (MEN1). Also called: MEA I; MEN I; WERMER SYNDROME; Endocrine adenomatosis multiple; MEN 1. Identifiers: Orphanet 652, MedGen C0025267, MeSH D018761, MONDO:0007540, OMIM 131100.

Submissions (2):

Ambry Genetics
Classification: Uncertain significance for Hereditary cancer-predisposing syndrome. Last evaluated: 2026-04-30. Review status: criteria provided, single submitter. Criteria: Ambry Variant Classification Scheme 2023. Collection method: clinical testing. Allele origin: germline.
Comment: The p.E31G variant (also known as c.92A>G), located in coding exon 1 of the MEN1 gene, results from an A to G substitution at nucleotide position 92. The glutamic acid at codon 31 is replaced by glycine, an amino acid with similar properties. This amino acid position is well conserved in available vertebrate species. In addition, this alteration is predicted to be deleterious by in silico analysis. Based on the available evidence, the clinical significance of this variant remains unclear.

Labcorp Genetics (formerly Invitae), Labcorp
Classification: Uncertain significance for Multiple endocrine neoplasia, type 1. Last evaluated: 2017-08-19. Review status: criteria provided, single submitter. Criteria: Invitae Variant Classification Sherloc (09022015). Collection method: clinical testing. Allele origin: germline.
Comment: This variant has not been reported in the literature in individuals with MEN1-related disease. In summary, the available evidence is currently insufficient to determine the role of this variant in disease. Therefore, it has been classified as a Variant of Uncertain Significance. Algorithms developed to predict the effect of missense changes on protein structure and function do not agree on the potential impact of this missense change (SIFT: "Deleterious"; PolyPhen-2: "Possibly Damaging"; Align-GVGD: "Class C0"). This variant is not present in population databases (ExAC no frequency). This sequence change replaces glutamic acid with glycine at codon 31 of the MEN1 protein (p.Glu31Gly). The glutamic acid residue is highly conserved and there is a moderate physicochemical difference between glutamic acid and glycine.